The following is an entry in ClinVar:

NM_014384.3(ACAD8):c.985G>A (p.Ala329Thr)

Gene: ACAD8 (acyl-CoA dehydrogenase family member 8; plus strand). Cytogenetic location: 11q25.
Variant type: single nucleotide variant.
Coding change: c.985G>A on transcript NM_014384.3 (MANE Select); coding-DNA position 985, G replaced by A.
Protein change: p.Ala329Thr; replaces alanine 329 with threonine.
Molecular consequence: missense variant.
Genome position (GRCh38, 1-based): chr11:134,261,783, G>A. VCF-style: chr11-134261783-G-A. GRCh37 (hg19) VCF-style: chr11-134131677-G-A.
Other names: short protein forms A329T.
Identifiers: ClinVar variation 880203 (VCV000880203.6), dbSNP rs751260935, ClinGen allele CA6373187.
Genomic context (GRCh38, chr11:134,261,783, plus strand): 5'-CTCCCTGTGCTGCAGTACTTGCAATTCACACTGGCTGATATGGCAACAAGGCTGGTGGCC[G>A]CGCGGCTGATGGTCCGCAATGCAGCAGTGGCTCTGCAGGAGGAGAGGAAGGATGCAGTGG-3'
Protein context (NP_055199.1, residues 319-339): LADMATRLVA[Ala329Thr]RLMVRNAAVA

ClinVar aggregate classification (germline): Uncertain significance. Review status: criteria provided, multiple submitters, no conflicts (2 of 4 stars). 2 submissions from 2 submitters: Uncertain significance (2). Last evaluated 2023-11-06.

Conditions:
Deficiency of isobutyryl-CoA dehydrogenase. Also called: ACAD8 DEFICIENCY; ACYL-CoA DEHYDROGENASE FAMILY, MEMBER 8, DEFICIENCY OF; IBD DEFICIENCY. Identifiers: Orphanet 79159, MedGen C1969809, MONDO:0012648, OMIM 611283.

Allele frequency attached by ClinVar (database versions not stated): ExAC 0.00001; gnomAD exomes 0.00003 and 0.00004; TOPMed 0.00004; gnomAD 0.00005 and 0.00006.
gnomAD v4.1: 56 of 1,614,012 alleles (0.0035%); highest among the groups gnomAD compares: Middle Eastern, 0.033%; no homozygotes.

Submissions (2):

Labcorp Genetics (formerly Invitae), Labcorp
Classification: Uncertain significance for Deficiency of isobutyryl-CoA dehydrogenase. Last evaluated: 2023-11-06. Review status: criteria provided, single submitter. Criteria: Invitae Variant Classification Sherloc (09022015). Collection method: clinical testing. Allele origin: germline.
Comment: This sequence change replaces alanine, which is neutral and non-polar, with threonine, which is neutral and polar, at codon 329 of the ACAD8 protein (p.Ala329Thr). This variant is present in population databases (rs751260935, gnomAD 0.008%). This variant has not been reported in the literature in individuals affected with ACAD8-related conditions. ClinVar contains an entry for this variant (Variation ID: 880203). Advanced modeling of protein sequence and biophysical properties (such as structural, functional, and spatial information, amino acid conservation, physicochemical variation, residue mobility, and thermodynamic stability) performed at Invitae indicates that this missense variant is not expected to disrupt ACAD8 protein function with a negative predictive value of 80%. In summary, the available evidence is currently insufficient to determine the role of this variant in disease. Therefore, it has been classified as a Variant of Uncertain Significance.

Illumina Laboratory Services, Illumina
Classification: Uncertain significance for Deficiency of isobutyryl-CoA dehydrogenase. Last evaluated: 2018-01-15. Review status: criteria provided, single submitter. Criteria: ICSL Variant Classification Criteria 13 December 2019. Collection method: clinical testing. Allele origin: germline.